The following is an entry in ClinVar:

ClinVar aggregate classification (germline): Pathogenic (1 of 4 stars; one submission).

Conditions:
Charlevoix-Saguenay spastic ataxia (SACS). Also called: AUTOSOMAL RECESSIVE SPASTIC ATAXIA OF CHARLEVOIX-SAGUENAY; Spastic ataxia of Charlevoix-Saguenay; SPASTIC ATAXIA 6, AUTOSOMAL RECESSIVE. Identifiers: Orphanet 98, MedGen C1849140, MONDO:0010041, OMIM 270550.

Submission:

Myriad Genetics, Inc.
Classification: Pathogenic for Charlevoix-Saguenay spastic ataxia. Last evaluated: 2026-07-07. Review status: criteria provided, single submitter. Criteria: Myriad Autosomal Dominant, Autosomal Recessive and X-Linked Classification Criteria (2023). Collection method: clinical testing. Allele origin: unknown.
Comment: NM_014363.4(SACS):c.11588delA(N3863Ifs*7) is a frameshift variant classified as pathogenic in the context of autosomal recessive spastic ataxia of Charlevoix-Saguenay. N3863Ifs*7 has not been observed in cases with relevant disease. Relevant functional assessments of this variant are not available in the literature. N3863Ifs*7 has not been observed in referenced population frequency databases. In summary, NM_014363.4(SACS):c.11588delA(N3863Ifs*7) is a frameshift variant in a gene where loss of function is a known mechanism of disease and is predicted to disrupt protein function. Please note: this variant was assessed in the context of healthy population screening.

NM_014363.6(SACS):c.11588del (p.Asn3863fs)

Gene: SACS (sacsin molecular chaperone; minus strand). Cytogenetic location: 13q12.12.
Variant type: Deletion.
Coding change: c.11588del on transcript NM_014363.6 (MANE Select); coding-DNA position 11588, one base deleted (A; older notation c.11588delA).
Protein change: p.Asn3863fs; shifts the reading frame from asparagine 3863.
Molecular consequence: frameshift variant.
Genome position (GRCh38, 1-based): chr13:23,332,288, T deleted on the plus strand (A on the coding strand, the reverse complement: SACS is on the minus strand); the first of 5 consecutive T bases (chr13:23,332,288-23,332,292); deleting any one gives the same sequence. VCF-style (leftmost placement, unchanged base first): chr13-23332287-AT-A. GRCh37 (hg19) VCF-style: chr13-23906426-AT-A.
Other names: c.11147del, p.Asn3716fs (NM_001278055.2); c.11615del, p.Asn3872fs (NM_001437336.1); short protein forms N3863fs, N3716fs, N3872fs.
Identifiers: ClinVar variation 5004774 (VCV005004774.1).